The following is an entry in ClinVar:

NM_004006.3(DMD):c.260A>G (p.Asn87Ser)

Gene: DMD (dystrophin; minus strand). Cytogenetic location: Xp21.1.
Variant type: single nucleotide variant.
Coding change: c.260A>G on transcript NM_004006.3 (MANE Select); coding-DNA position 260, A replaced by G.
Protein change: p.Asn87Ser; replaces asparagine 87 with serine.
Molecular consequence: missense variant. On other transcripts: 5 prime UTR variant (1).
Genome position (GRCh38, 1-based): chrX:32,844,787, T>C on the plus strand (A>G on the coding strand, the complement: DMD is on the minus strand). VCF-style: chrX-32844787-T-C. GRCh37 (hg19) VCF-style: chrX-32862904-T-C.
Other names: c.260A>G (NM_004006.2); c.236A>G, p.Asn79Ser (NM_000109.4); c.248A>G, p.Asn83Ser (NM_004009.3); c.-110A>G (NM_004010.3); short protein forms N79S, N83S, N87S.
Identifiers: ClinVar variation 1387572 (VCV001387572.9), dbSNP rs1452900149, ClinGen allele CA412674637.

ClinVar aggregate classification (germline): Uncertain significance. Review status: criteria provided, multiple submitters, no conflicts (2 of 4 stars). 3 submissions from 3 submitters: Uncertain significance (3). Last evaluated 2026-05-01.

Conditions:
Duchenne muscular dystrophy (DMD). Also called: MUSCULAR DYSTROPHY, PSEUDOHYPERTROPHIC PROGRESSIVE, DUCHENNE TYPE; Duchenne Muscular Dystrophy (DMD). Identifiers: Orphanet 98896, MedGen C0013264, MONDO:0010679, OMIM 310200.
Cardiovascular phenotype. Identifiers: MedGen CN230736.

Allele frequency attached by ClinVar (database versions not stated): gnomAD exomes below 0.00001 and 0.00001.
gnomAD v4.1: 2 of 1,208,954 alleles (0.00017%); highest among the groups gnomAD compares: Admixed American, 0.0022%; no homozygotes.

Submissions (3):

CeGaT Center for Human Genetics Tuebingen
Classification: Uncertain significance. Last evaluated: 2026-05-01. Review status: criteria provided, single submitter. Criteria: CeGaT Center For Human Genetics Tuebingen Variant Classification Criteria Version 2. Collection method: clinical testing. Allele origin: germline. Affected: yes. Observed: 1 variant allele.

Ambry Genetics
Classification: Uncertain significance for Cardiovascular phenotype. Last evaluated: 2024-01-08. Review status: criteria provided, single submitter. Criteria: Ambry Variant Classification Scheme 2023. Collection method: clinical testing. Allele origin: germline.
Comment: The p.N87S variant (also known as c.260A>G), located in coding exon 4 of the DMD gene, results from an A to G substitution at nucleotide position 260. The asparagine at codon 87 is replaced by serine, an amino acid with highly similar properties. Based on data from gnomAD, the G allele has an overall frequency of 0.0005% (1/183316) total alleles studied, with no hemizygote(s) observed. The highest observed frequency was 0.0036% (1/27422) of Latino alleles. This amino acid position is highly conserved in available vertebrate species. In addition, this alteration is predicted to be tolerated by in silico analysis. Since supporting evidence is limited at this time, the clinical significance of this alteration remains unclear.

Labcorp Genetics (formerly Invitae), Labcorp
Classification: Uncertain significance for Duchenne muscular dystrophy. Last evaluated: 2021-07-04. Review status: criteria provided, single submitter. Criteria: Invitae Variant Classification Sherloc (09022015). Collection method: clinical testing. Allele origin: germline.
Comment: In summary, the available evidence is currently insufficient to determine the role of this variant in disease. Therefore, it has been classified as a Variant of Uncertain Significance. Algorithms developed to predict the effect of missense changes on protein structure and function are either unavailable or do not agree on the potential impact of this missense change (SIFT: "Tolerated"; PolyPhen-2: "Possibly Damaging"; Align-GVGD: "Class C0"). This variant has not been reported in the literature in individuals with DMD-related conditions. This variant is not present in population databases (ExAC no frequency). This sequence change replaces asparagine with serine at codon 87 of the DMD protein (p.Asn87Ser). The asparagine residue is highly conserved and there is a small physicochemical difference between asparagine and serine.